The following is an entry in ClinVar:

ClinVar aggregate classification (germline): Uncertain significance (1 of 4 stars; one submission).

Conditions:
UNC13D-related disorder. Also called: UNC13D-related condition.

Allele frequency attached by ClinVar (database versions not stated): ExAC 0.00001; gnomAD 0.00001; TOPMed 0.00001; gnomAD exomes 0.00002.

Submission:

PreventionGenetics, part of Exact Sciences
Classification: Uncertain significance for UNC13D-related condition. Last evaluated: 2022-12-01. Review status: criteria provided, single submitter. Criteria: ACMG Guidelines, 2015. Collection method: clinical testing. Allele origin: germline.
Comment: The UNC13D c.499G>A variant is predicted to result in the amino acid substitution p.Glu167Lys. To our knowledge, this variant has not been reported in the literature. This variant is reported in 0.0050% of alleles in individuals of East Asian descent in gnomAD. At this time, the clinical significance of this variant is uncertain due to the absence of conclusive functional and genetic evidence.

NM_199242.3(UNC13D):c.499G>A (p.Glu167Lys)

Gene: UNC13D (unc-13 homolog D; minus strand). Cytogenetic location: 17q25.1.
Variant type: single nucleotide variant.
Coding change: c.499G>A on transcript NM_199242.3 (MANE Select); coding-DNA position 499, G replaced by A.
Protein change: p.Glu167Lys; replaces glutamic acid 167 with lysine.
Molecular consequence: missense variant.
Genome position (GRCh38, 1-based): chr17:75,842,503, C>T on the plus strand (G>A on the coding strand, the complement: UNC13D is on the minus strand). VCF-style: chr17-75842503-C-T. GRCh37 (hg19) VCF-style: chr17-73838584-C-T.
Other names: short protein forms E167K.
Identifiers: ClinVar variation 2628585 (VCV002628585.1), dbSNP rs753901650, ClinGen allele CA8773462.